The following is an entry in ClinVar:

NM_024675.4(PALB2):c.3252G>C (p.Ser1084=)

Gene: PALB2 (partner and localizer of BRCA2; minus strand). Cytogenetic location: 16p12.2.
Variant type: single nucleotide variant.
Coding change: c.3252G>C on transcript NM_024675.4 (MANE Select); coding-DNA position 3252, G replaced by C.
Protein change: p.Ser1084=; no amino-acid change (serine 1084 retained).
Molecular consequence: synonymous variant.
Genome position (GRCh38, 1-based): chr16:23,607,962, C>G on the plus strand (G>C on the coding strand, the complement: PALB2 is on the minus strand). VCF-style: chr16-23607962-C-G. GRCh37 (hg19) VCF-style: chr16-23619283-C-G.
Identifiers: ClinVar variation 925036 (VCV000925036.13), dbSNP rs141570833, ClinGen allele CA494175750.

ClinVar aggregate classification (germline): Benign/Likely benign. Review status: criteria provided, multiple submitters, no conflicts (2 of 4 stars). 4 submissions from 4 submitters: Benign (1); Likely benign (3). Last evaluated 2025-01-22.

Conditions:
Hereditary cancer-predisposing syndrome. Also called: Neoplastic Syndromes, Hereditary; Tumor predisposition; Hereditary Cancer Syndrome; Hereditary neoplastic syndrome. Identifiers: Orphanet 140162, MedGen C0027672, MeSH D009386, MONDO:0015356.
Familial cancer of breast. Also called: BREAST CANCER, FAMILIAL; Hereditary breast cancer; hereditary breast carcinoma. Identifiers: Orphanet 227535, MedGen C0346153, MONDO:0016419, OMIM 114480. Disease mechanism: loss of function.

Allele frequency attached by ClinVar (database versions not stated): TOPMed 0.00001.
gnomAD v4.1: 1 of 1,614,052 alleles (0.000062%); highest among the groups gnomAD compares: East Asian, 0.0022%; no homozygotes.

Submissions (4):

Myriad Genetics, Inc.
Classification: Benign for Familial cancer of breast. Last evaluated: 2025-01-22. Review status: criteria provided, single submitter. Criteria: Myriad Autosomal Dominant, Autosomal Recessive and X-Linked Classification Criteria (2023). Collection method: clinical testing. Allele origin: unknown.
Comment: This variant is considered benign. This variant is a silent/synonymous amino acid change and it is not expected to impact splicing.

Labcorp Genetics (formerly Invitae), Labcorp
Classification: Likely benign for Familial cancer of breast. Last evaluated: 2024-11-11. Review status: criteria provided, single submitter. Criteria: Invitae Variant Classification Sherloc (09022015). Collection method: clinical testing. Allele origin: germline.

Ambry Genetics
Classification: Likely benign for Hereditary cancer-predisposing syndrome. Last evaluated: 2020-06-16. Review status: criteria provided, single submitter. Criteria: Ambry Variant Classification Scheme 2023. Collection method: clinical testing. Allele origin: germline.

Color Diagnostics, LLC DBA Color Health
Classification: Likely benign for Hereditary cancer-predisposing syndrome. Last evaluated: 2019-01-07. Review status: criteria provided, single submitter. Criteria: ACMG Guidelines, 2015. Collection method: clinical testing. Allele origin: germline.

Literature cited by the submitters: PubMed 21932393 (cited by Ambry Genetics); PubMed 28779002 (cited by Ambry Genetics); PubMed 29052111 (cited by Ambry Genetics).